The following is an entry in ClinVar:

NM_000163.5(GHR):c.1564_1565dup (p.Leu523fs)

Gene: GHR (growth hormone receptor; plus strand). Cytogenetic location: 5p12.
Variant type: Microsatellite.
Coding change: c.1564_1565dup on transcript NM_000163.5 (MANE Select); coding-DNA positions 1564 to 1565, 2 bases duplicated (TC; older notation c.1564_1565dupTC).
Protein change: p.Leu523fs; shifts the reading frame from leucine 523.
Molecular consequence: frameshift variant. On other transcripts: 3 prime UTR variant (1).
Genome position (GRCh38, 1-based): chr5:42,719,071-42,719,072, TC duplicated; duplicating any 2 consecutive bases within chr5:42,719,069-42,719,072 gives the same sequence; the c. name uses the placement nearest the transcript's 3' end. VCF-style (leftmost placement, unchanged base first): chr5-42719068-G-GTC. GRCh37 (hg19) VCF-style: chr5-42719170-G-GTC.
Other names: c.1585_1586dup, p.Leu530fs (NM_001242399.2); c.1564_1565dup, p.Leu523fs (NM_001242400.2, NM_001242401.4, NM_001242402.2 and 4 more transcripts); c.1498_1499dup, p.Leu501fs (NM_001242460.2); c.*604TC[3] (NM_001242462.1); short protein forms L501fs, L523fs, L530fs.
Identifiers: ClinVar variation 4718366 (VCV004718366.1).

ClinVar aggregate classification (germline): Pathogenic (1 of 4 stars; one submission).

Submission:

Labcorp Genetics (formerly Invitae), Labcorp
Classification: Pathogenic. Last evaluated: 2025-04-26. Review status: criteria provided, single submitter. Criteria: Invitae Variant Classification Sherloc (09022015). Collection method: clinical testing. Allele origin: germline.
Comment: This sequence change creates a premature translational stop signal (p.Leu523Hisfs*39) in the GHR gene. While this is not anticipated to result in nonsense mediated decay, it is expected to disrupt the last 116 amino acid(s) of the GHR protein. This variant is not present in population databases (gnomAD no frequency). This variant has not been reported in the literature in individuals affected with GHR-related conditions. This variant disrupts a region of the GHR protein in which other variant(s) (p.Arg578Serfs*23) have been determined to be pathogenic (PMID: 15536163). This suggests that this is a clinically significant region of the protein, and that variants that disrupt it are likely to be disease-causing. For these reasons, this variant has been classified as Pathogenic.

Literature cited by the submitters: PubMed 15536163.